The following is an entry in ClinVar:

NM_000153.4(GALC):c.155del (p.Gly52fs)

Genes: GALC (galactosylceramidase; minus strand), LOC130056217 (ATAC-STARR-seq lymphoblastoid silent region 5988; plus strand). Cytogenetic location: 14q31.3.
Variant type: Deletion.
Coding change: c.155del on transcript NM_000153.4 (MANE Select); coding-DNA position 155, one base deleted (G; older notation c.155delG).
Protein change: p.Gly52fs; shifts the reading frame from glycine 52.
Molecular consequence: frameshift variant. On other transcripts: intron variant (1).
Genome position (GRCh38, 1-based): chr14:87,993,010, C deleted on the plus strand (G on the coding strand, the reverse complement: GALC is on the minus strand); the first of 3 consecutive C bases (chr14:87,993,010-87,993,012); deleting any one gives the same sequence. VCF-style (leftmost placement, unchanged base first): chr14-87993009-GC-G. GRCh37 (hg19) VCF-style: chr14-88459353-GC-G.
Other names: c.155del (NM_000153.3); c.155del, p.Gly52fs (NM_001201401.2); c.117+373del (NM_001201402.2); short protein forms G52fs.
Identifiers: ClinVar variation 418220 (VCV000418220.17), dbSNP rs1064793131, ClinGen allele CA16619890.

ClinVar aggregate classification (germline): Pathogenic/Likely pathogenic. Review status: criteria provided, multiple submitters, no conflicts (2 of 4 stars). 6 submissions from 6 submitters: Pathogenic (3); Likely pathogenic (2). 1 of the submissions does not count toward it. Last evaluated 2025-05-28.

Conditions:
Galactosylceramide beta-galactosidase deficiency. Also called: Krabbe Disease; Leukodystrophy, Globoid Cell; GALACTOCEREBROSIDASE DEFICIENCY; GALC DEFICIENCY; GLOBOID CELL LEUKOENCEPHALOPATHY. Identifiers: Orphanet 487, MedGen C0023521, MONDO:0009499, OMIM 245200.

Submissions (6):

3billion
Classification: Pathogenic for Galactosylceramide beta-galactosidase deficiency. Last evaluated: 2025-05-28. Review status: criteria provided, single submitter. Criteria: ACMG Guidelines, 2015. Collection method: clinical testing. Allele origin: germline. Affected: yes.
Comment: The variant is not observed in the gnomAD v4.1.0 dataset. Predicted Consequence/Location: Frameshift: predicted to result in a loss or disruption of normal protein function through nonsense-mediated decay (NMD) or protein truncation. Multiple pathogenic variants are reported downstream of the variant. The variant has been reported to be in trans with a pathogenic variant as either compound heterozygous or homozygous in at least one similarly affected unrelated individual (PMID: 30777126). The variant has been reported at least twice as pathogenic with clinical assertions and evidence for the classification (ClinVar ID: VCV000418220 /PMID: 30777126). Therefore, this variant is classified as Pathogenic according to the recommendation of ACMG/AMP guideline.

Labcorp Genetics (formerly Invitae), Labcorp
Classification: Pathogenic for Galactosylceramide beta-galactosidase deficiency. Last evaluated: 2025-01-15. Review status: criteria provided, single submitter. Criteria: Invitae Variant Classification Sherloc (09022015). Collection method: clinical testing. Allele origin: germline.
Comment: This sequence change creates a premature translational stop signal (p.Gly52Alafs*20) in the GALC gene. It is expected to result in an absent or disrupted protein product. Loss-of-function variants in GALC are known to be pathogenic (PMID: 7437911, 9272171, 16607461). This variant is not present in population databases (gnomAD no frequency). This premature translational stop signal has been observed in individual(s) with Krabbe disease (PMID: 30777126). ClinVar contains an entry for this variant (Variation ID: 418220). For these reasons, this variant has been classified as Pathogenic.

Fulgent Genetics
Classification: Likely pathogenic for Galactosylceramide beta-galactosidase deficiency. Last evaluated: 2024-04-17. Review status: criteria provided, single submitter. Criteria: ACMG Guidelines, 2015. Collection method: clinical testing. Allele origin: germline.

Revvity Omics, Revvity
Classification: Pathogenic. Last evaluated: 2021-06-07. Review status: criteria provided, single submitter. Criteria: ACMG Guidelines, 2015. Collection method: clinical testing. Allele origin: germline.

GeneDx
Classification: Likely pathogenic. Last evaluated: 2017-01-12. Review status: criteria provided, single submitter. Criteria: GeneDx Variant Classification (06012015). Collection method: clinical testing. Allele origin: germline. Affected: yes.
Comment: The c.155delG variant in the GALC gene has not been reported previously as a pathogenic variant nor as a benign variant, to our knowledge. The c.155delG variant causes a frameshift starting with codon Glycine 52, changes this amino acid to an Alanine residue, and creates a premature Stop codon at position 20 of the new reading frame, denoted p.Gly52AlafsX20. This variant is predicted to cause loss of normal protein function either through protein truncation or nonsense-mediated mRNA decay. The c.155delG variant was not observed in the Exome Aggregation Consortium (ExAC) data set, indicating it is not a common benign variant (Lek et al., 2016). We interpret c.155delG as a likely pathogenic variant.

Counsyl
Classification: Likely pathogenic for Galactosylceramide beta-galactosidase deficiency. Last evaluated: 2019-01-24. Review status: no assertion criteria provided. Collection method: clinical testing. Allele origin: unknown. Not counted in ClinVar's aggregate classification.

Literature cited by the submitters: PubMed 30777126 (cited by 3billion and Labcorp Genetics (formerly Invitae), Labcorp); PubMed 7437911 (cited by Labcorp Genetics (formerly Invitae), Labcorp); PubMed 9272171 (cited by Labcorp Genetics (formerly Invitae), Labcorp); PubMed 16607461 (cited by Labcorp Genetics (formerly Invitae), Labcorp).